The following is an entry in ClinVar:

NM_000875.5(IGF1R):c.3652A>G (p.Asn1218Asp)

Gene: IGF1R (insulin like growth factor 1 receptor; plus strand). Cytogenetic location: 15q26.3.
Variant type: single nucleotide variant.
Coding change: c.3652A>G on transcript NM_000875.5 (MANE Select); coding-DNA position 3652, A replaced by G.
Protein change: p.Asn1218Asp; replaces asparagine 1218 with aspartic acid.
Molecular consequence: missense variant.
Genome position (GRCh38, 1-based): chr15:98,948,638, A>G. VCF-style: chr15-98948638-A-G. GRCh37 (hg19) VCF-style: chr15-99491867-A-G.
Other names: c.3649A>G, p.Asn1217Asp (NM_001291858.2); short protein forms N1217D, N1218D.
Identifiers: ClinVar variation 2506731 (VCV002506731.2), dbSNP rs2506090948, ClinGen allele CA393663346.
Genomic context (GRCh38, chr15:98,948,638, plus strand): 5'-TTCGGGGTCGTCCTCTGGGAGATCGCCACACTGGCCGAGCAGCCCTACCAGGGCTTGTCC[A>G]ACGAGCAAGTCCTTCGCTTCGTCATGGAGGGCGGCCTTCTGGACAAGCCAGACAACTGTC-3'
Protein context (NP_000866.1, residues 1208-1228): LAEQPYQGLS[Asn1218Asp]EQVLRFVMEG

ClinVar aggregate classification (germline): Uncertain significance (1 of 4 stars; one submission).

Submission:

GeneDx
Classification: Uncertain significance. Last evaluated: 2026-02-02. Review status: criteria provided, single submitter. Criteria: GeneDx Variant Classification Process June 2021. Collection method: clinical testing. Allele origin: germline. Affected: yes.
Comment: Not observed at significant frequency in large population cohorts (gnomAD); In silico analysis supports that this missense variant has a deleterious effect on protein structure/function; Has not been previously published as pathogenic or benign to our knowledge